The following is an entry in ClinVar:

ClinVar aggregate classification (germline): Uncertain significance (1 of 4 stars; one submission).

Conditions:
Familial hemiplegic migraine. Identifiers: MedGen C0338484, MONDO:0000700.

Allele frequency attached by ClinVar (database versions not stated): gnomAD 0.00001; TOPMed 0.00001.
gnomAD v4.1: 2 of 1,614,062 alleles (0.00012%); highest among the groups gnomAD compares: African/African-American, 0.0027%; no homozygotes.

Submission:

Labcorp Genetics (formerly Invitae), Labcorp
Classification: Uncertain significance for Familial hemiplegic migraine. Last evaluated: 2025-01-27. Review status: criteria provided, single submitter. Criteria: Invitae Variant Classification Sherloc (09022015). Collection method: clinical testing. Allele origin: germline.
Comment: This sequence change falls in intron 13 of the ATP1A2 gene. It does not directly change the encoded amino acid sequence of the ATP1A2 protein. It affects a nucleotide within the consensus splice site. This variant is not present in population databases (gnomAD no frequency). This variant has not been reported in the literature in individuals affected with ATP1A2-related conditions. ClinVar contains an entry for this variant (Variation ID: 1417542). Variants that disrupt the consensus splice site are a relatively common cause of aberrant splicing (PMID: 17576681, 9536098). Algorithms developed to predict the effect of sequence changes on RNA splicing suggest that this variant is not likely to affect RNA splicing. In summary, the available evidence is currently insufficient to determine the role of this variant in disease. Therefore, it has been classified as a Variant of Uncertain Significance.

Literature cited by the submitters: PubMed 17576681; PubMed 9536098.

NM_000702.4(ATP1A2):c.1828-3T>C

Gene: ATP1A2 (ATPase Na+/K+ transporting subunit alpha 2; plus strand). Cytogenetic location: 1q23.2.
Variant type: single nucleotide variant.
Coding change: c.1828-3T>C on transcript NM_000702.4 (MANE Select); 3 bases into the intron before coding-DNA position 1828, T replaced by C.
Molecular consequence: intron variant.
Genome position (GRCh38, 1-based): chr1:160,134,481, T>C. VCF-style: chr1-160134481-T-C. GRCh37 (hg19) VCF-style: chr1-160104271-T-C.
Identifiers: ClinVar variation 1417542 (VCV001417542.6), dbSNP rs1651872567, ClinGen allele CA1008330742.